The following is an entry in ClinVar:

NM_000059.4(BRCA2):c.7412_7421del (p.Thr2471fs)

Gene: BRCA2 (BRCA2 DNA repair associated; plus strand). Cytogenetic location: 13q13.1.
Variant type: Deletion.
Coding change: c.7412_7421del on transcript NM_000059.4 (MANE Select); coding-DNA positions 7412 to 7421, 10 bases deleted (CAAAGTGTGA; older notation c.7412_7421delCAAAGTGTGA).
Protein change: p.Thr2471fs; shifts the reading frame from threonine 2471.
Molecular consequence: frameshift variant.
Genome position (GRCh38, 1-based): chr13:32,355,265-32,355,274, CAAAGTGTGA deleted; deleting any 10 consecutive bases within chr13:32,355,264-32,355,274 gives the same sequence; the c. name uses the placement nearest the transcript's 3' end. VCF-style (leftmost placement, unchanged base first): chr13-32355263-CACAAAGTGTG-C. GRCh37 (hg19) VCF-style: chr13-32929400-CACAAAGTGTG-C.
Other names: 7640del10; c.7412_7421delCAAAGTGTGA (NM_000059.3); c.7412_7421del10 (NM_000059.3).
Identifiers: ClinVar variation 38093 (VCV000038093.17), dbSNP rs80359649, ClinGen allele CA025063.

ClinVar aggregate classification (germline): Pathogenic. Review status: reviewed by expert panel (3 of 4 stars). 8 submissions from 8 submitters: Pathogenic (1). 7 of the submissions do not count toward it. Last evaluated 2016-09-08.

Conditions:
Hereditary cancer-predisposing syndrome. Also called: Tumor predisposition; Neoplastic Syndromes, Hereditary; Hereditary neoplastic syndrome; Hereditary Cancer Syndrome. Identifiers: Orphanet 140162, MedGen C0027672, MeSH D009386, MONDO:0015356.
Hereditary breast ovarian cancer syndrome. Also called: Hereditary breast and ovarian cancer; Hereditary breast and ovarian cancer syndrome (HBOC); Hereditary breast and/or ovarian cancer syndrome; Breast and ovarian cancer; Hereditary breast and ovarian cancer syndrome; BRCA1- and BRCA2-Associated Hereditary Breast and Ovarian Cancer. Identifiers: Orphanet 145, MedGen C0677776, MeSH D061325, MONDO:0003582. Disease mechanism: loss of function.
Breast-ovarian cancer, familial, susceptibility to, 2 (BROVCA2). Also called: BRCA2 Hereditary Breast and Ovarian Cancer. Identifiers: Orphanet 145, MedGen C2675520, MONDO:0012933, OMIM 612555. Disease mechanism: loss of function.

Submissions (8):

Evidence-based Network for the Interpretation of Germline Mutant Alleles (ENIGMA)
Classification: Pathogenic for Breast-ovarian cancer, familial, susceptibility to, 2. Last evaluated: 2016-09-08. Review status: reviewed by expert panel. Criteria: ENIGMA BRCA1/2 Classification Criteria (2015). Collection method: curation. Allele origin: germline.
Comment: Variant allele predicted to encode a truncated non-functional protein.

Ambry Genetics
Classification: Pathogenic for Hereditary cancer-predisposing syndrome. Last evaluated: 2024-04-16. Review status: criteria provided, single submitter. Criteria: Ambry Variant Classification Scheme 2023. Collection method: clinical testing. Allele origin: germline. Not counted in ClinVar's aggregate classification.
Comment: The c.7412_7421del10 pathogenic mutation, located in coding exon 13 of the BRCA2 gene, results from a deletion of 10 nucleotides at nucleotide positions 7412 to 7421, causing a translational frameshift with a predicted alternate stop codon (p.T2471Kfs*5). This alteration was identified in a large, worldwide study of BRCA1/2 mutation positive families (Rebbeck TR et al. Hum. Mutat. 2018 05;39:593-620). In addition to the clinical data presented in the literature, this alteration is expected to result in loss of function by premature protein truncation or nonsense-mediated mRNA decay. As such, this alteration is interpreted as a disease-causing mutation.

Labcorp Genetics (formerly Invitae), Labcorp
Classification: Pathogenic for Hereditary breast ovarian cancer syndrome. Last evaluated: 2022-11-03. Review status: criteria provided, single submitter. Criteria: Invitae Variant Classification Sherloc (09022015). Collection method: clinical testing. Allele origin: germline. Not counted in ClinVar's aggregate classification.
Comment: This sequence change creates a premature translational stop signal (p.Thr2471Lysfs*5) in the BRCA2 gene. It is expected to result in an absent or disrupted protein product. Loss-of-function variants in BRCA2 are known to be pathogenic (PMID: 20104584). This variant is not present in population databases (gnomAD no frequency). This variant has not been reported in the literature in individuals affected with BRCA2-related conditions. ClinVar contains an entry for this variant (Variation ID: 38093). For these reasons, this variant has been classified as Pathogenic.

Color Diagnostics, LLC DBA Color Health
Classification: Pathogenic for Hereditary cancer-predisposing syndrome. Last evaluated: 2022-02-16. Review status: criteria provided, single submitter. Criteria: ACMG Guidelines, 2015. Collection method: clinical testing. Allele origin: germline. Not counted in ClinVar's aggregate classification.
Comment: This variant deletes 10 nucleotides in exon 14 of the BRCA2 gene, creating a frameshift and premature translation stop signal. This variant is expected to result in an absent or non-functional protein product. This variant has not been identified in the general population by the Genome Aggregation Database (gnomAD). Loss of BRCA2 function is a known mechanism of disease. Based on the available evidence, this variant is classified as Pathogenic.

Consortium of Investigators of Modifiers of BRCA1/2 (CIMBA), c/o University of Cambridge
Classification: Pathogenic for Breast-ovarian cancer, familial, susceptibility to, 2. Last evaluated: 2015-10-02. Review status: criteria provided, single submitter. Criteria: CIMBA Mutation Classification guidelines May 2016. Collection method: clinical testing. Allele origin: germline. Not counted in ClinVar's aggregate classification.

Research Molecular Genetics Laboratory, Women's College Hospital, University of Toronto
Classification: Pathogenic for Hereditary breast ovarian cancer syndrome. Last evaluated: 2014-01-31. Review status: no assertion criteria provided. Collection method: research. Allele origin: germline. Affected: yes. Study: The Canadian Open Genetics Repository (COGR). Not counted in ClinVar's aggregate classification.

Sharing Clinical Reports Project (SCRP)
Classification: Pathogenic for Breast-ovarian cancer, familial 2. Last evaluated: 2009-03-28. Review status: no assertion criteria provided. Collection method: clinical testing. Allele origin: germline. Not counted in ClinVar's aggregate classification.

Breast Cancer Information Core (BIC) (BRCA2)
Classification: Pathogenic for Breast-ovarian cancer, familial 2. Last evaluated: 2003-12-23. Review status: no assertion criteria provided. Collection method: clinical testing. Allele origin: germline. Affected: yes. Observed: 1 variant allele. Not counted in ClinVar's aggregate classification.

Literature cited by the submitters: PubMed 28152038 (cited by Ambry Genetics); PubMed 29446198 (cited by Ambry Genetics); PubMed 20104584 (cited by Labcorp Genetics (formerly Invitae), Labcorp).